The following is an entry in ClinVar:

NM_022124.6(CDH23):c.9254del (p.Leu3085fs)

Gene: CDH23 (cadherin related 23; plus strand). Cytogenetic location: 10q22.1.
Variant type: Deletion.
Coding change: c.9254del on transcript NM_022124.6 (MANE Select); coding-DNA position 9254, one base deleted (T; older notation c.9254delT).
Protein change: p.Leu3085fs; shifts the reading frame from leucine 3085.
Molecular consequence: frameshift variant.
Genome position (GRCh38, 1-based): chr10:71,811,566, T deleted. VCF-style (leftmost placement, unchanged base first): chr10-71811565-CT-C. GRCh37 (hg19) VCF-style: chr10-73571322-CT-C.
Other names: c.2534del, p.Leu845fs (NM_001171933.1, NM_001171934.1); short protein forms L3085fs, L845fs.
Identifiers: ClinVar variation 1069075 (VCV001069075.8), dbSNP rs773926246, ClinGen allele CA209442625.

ClinVar aggregate classification (germline): Pathogenic/Likely pathogenic. Review status: criteria provided, multiple submitters, no conflicts (2 of 4 stars). 2 submissions from 2 submitters: Pathogenic (1); Likely pathogenic (1). Last evaluated 2024-05-09.

Conditions:
Pituitary adenoma 5, multiple types. Identifiers: MedGen C4539685, MONDO:0054601, OMIM 617540.
Autosomal recessive nonsyndromic hearing loss 12. Also called: DEAFNESS, AUTOSOMAL RECESSIVE 12. Identifiers: Orphanet 90636, MedGen C1832394, MONDO:0011067, OMIM 601386.
Usher syndrome type 1D (USH1D). Also called: USHER SYNDROME, TYPE ID. Identifiers: Orphanet 231169, Orphanet 886, MedGen C1832845, MONDO:0010984, OMIM 601067.

Submissions (2):

Fulgent Genetics
Classification: Likely pathogenic for Usher syndrome type 1D; Autosomal recessive nonsyndromic hearing loss 12; Pituitary adenoma 5, multiple types. Last evaluated: 2024-05-09. Review status: criteria provided, single submitter. Criteria: ACMG Guidelines, 2015. Collection method: clinical testing. Allele origin: germline.

Labcorp Genetics (formerly Invitae), Labcorp
Classification: Pathogenic. Last evaluated: 2021-12-07. Review status: criteria provided, single submitter. Criteria: Invitae Variant Classification Sherloc (09022015). Collection method: clinical testing. Allele origin: germline.
Comment: For these reasons, this variant has been classified as Pathogenic. ClinVar contains an entry for this variant (Variation ID: 1069075). This variant has not been reported in the literature in individuals affected with CDH23-related conditions. This variant is not present in population databases (gnomAD no frequency). This sequence change creates a premature translational stop signal (p.Leu3085Profs*2) in the CDH23 gene. It is expected to result in an absent or disrupted protein product. Loss-of-function variants in CDH23 are known to be pathogenic (PMID: 11138009, 21940737).

Literature cited by the submitters: PubMed 11138009 (cited by Labcorp Genetics (formerly Invitae), Labcorp); PubMed 21940737 (cited by Labcorp Genetics (formerly Invitae), Labcorp).